The following is an entry in ClinVar:

NM_001349349.1(PLPBP):c.4A>G (p.Met2Val)

Genes: PLPBP (pyridoxal phosphate binding protein; plus strand), LOC113788277 (Sharpr-MPRA regulatory region 13802; plus strand). Cytogenetic location: 8p11.23.
Variant type: single nucleotide variant.
Coding change: c.4A>G on transcript NM_001349349.1; coding-DNA position 4, A replaced by G.
Protein change: p.Met2Val; replaces methionine 2 with valine.
Molecular consequence: missense variant.
Genome position (GRCh38, 1-based): chr8:37,762,558, A>G. VCF-style: chr8-37762558-A-G. GRCh37 (hg19) VCF-style: chr8-37620076-A-G.
Other names: short protein forms M2V.
Identifiers: ClinVar variation 1272203 (VCV001272203.6), dbSNP rs6468438, ClinGen allele CA175030109.

ClinVar aggregate classification (germline): Benign. Review status: criteria provided, multiple submitters, no conflicts (2 of 4 stars). 3 submissions from 3 submitters: Benign (3). Last evaluated 2024-07-15.

Allele frequency attached by ClinVar (database versions not stated): 1000 Genomes Project 0.99820; gnomAD exomes 0.99015; TOPMed 0.99383; 1000 Genomes Project 30x 0.99781.
gnomAD v4.1: 1,470,645 of 1,484,562 alleles (99%); highest among the groups gnomAD compares: East Asian, 100%; 728,442 homozygotes.

Submissions (3):

Unidad de Genómica Garrahan, Hospital de Pediatría Garrahan
Classification: Benign. Last evaluated: 2024-07-15. Review status: criteria provided, single submitter. Criteria: ACMG Guidelines, 2015. Collection method: clinical testing. Allele origin: germline. Affected: no. Observed: 93 variant alleles.
Comment: This variant is classified as Benign based on local population frequency. This variant was detected in 100% of patients studied in a panel designed for Epileptic and Developmental Encephalopathy and Progressive Myoclonus Epilepsy. Number of patients: 93. Only high quality variants are reported.

GeneDx
Classification: Benign. Last evaluated: 2021-05-14. Review status: criteria provided, single submitter. Criteria: GeneDx Variant Classification Process June 2021. Collection method: clinical testing. Allele origin: germline. Affected: yes.

Breakthrough Genomics
Classification: Benign. Review status: criteria provided, single submitter. Criteria: ACMG Guidelines, 2015. Collection method: not provided. Allele origin: germline. Inheritance: Autosomal recessive inheritance. Affected: yes.